The following is an entry in ClinVar:

NM_012418.4(FSCN2):c.1039G>A (p.Ala347Thr)

Gene: FSCN2 (fascin actin-bundling protein 2, retinal; plus strand). Cytogenetic location: 17q25.3.
Variant type: single nucleotide variant.
Coding change: c.1039G>A on transcript NM_012418.4 (MANE Select); coding-DNA position 1039, G replaced by A.
Protein change: p.Ala347Thr; replaces alanine 347 with threonine.
Molecular consequence: missense variant.
Genome position (GRCh38, 1-based): chr17:81,536,201, G>A. VCF-style: chr17-81536201-G-A. GRCh37 (hg19) VCF-style: chr17-79503227-G-A.
Other names: c.1039G>A, p.Ala347Thr (NM_001077182.3); short protein forms A347T.
Identifiers: ClinVar variation 3637414 (VCV003637414.2).

ClinVar aggregate classification (germline): Uncertain significance (1 of 4 stars; one submission).

gnomAD v4.1: 2 of 1,600,588 alleles (0.00012%); highest among the groups gnomAD compares: Non-Finnish European, 0.000085%; no homozygotes.

Submission:

Labcorp Genetics (formerly Invitae), Labcorp
Classification: Uncertain significance. Last evaluated: 2024-10-23. Review status: criteria provided, single submitter. Criteria: Invitae Variant Classification Sherloc (09022015). Collection method: clinical testing. Allele origin: germline.
Comment: This sequence change replaces alanine, which is neutral and non-polar, with threonine, which is neutral and polar, at codon 347 of the FSCN2 protein (p.Ala347Thr). This variant is not present in population databases (gnomAD no frequency). This variant has not been reported in the literature in individuals affected with FSCN2-related conditions. An algorithm developed to predict the effect of missense changes on protein structure and function (PolyPhen-2) suggests that this variant is likely to be disruptive. In summary, the available evidence is currently insufficient to determine the role of this variant in disease. Therefore, it has been classified as a Variant of Uncertain Significance.